The following is an entry in ClinVar:

ClinVar aggregate classification (germline): Benign. Review status: criteria provided, single submitter (1 of 4 stars). 2 submissions from 2 submitters: Benign (1). 1 of the submissions does not count toward it. Last evaluated 2025-11-27.

Conditions:
IGSF10-related disorder. Also called: IGSF10-related condition.

Allele frequency attached by ClinVar (database versions not stated): 1000 Genomes Project 0.00319; 1000 Genomes Project 30x 0.00359; gnomAD exomes 0.00017; ExAC 0.00066; ESP Exome Variant Server 0.00177; gnomAD 0.00177; TOPMed 0.00195.
gnomAD v4.1: 524 of 1,564,042 alleles (0.034%); highest among the groups gnomAD compares: African/African-American, 0.65%; 2 homozygotes.

Submissions (3):

Labcorp Genetics (formerly Invitae), Labcorp
Classification: Benign. Last evaluated: 2025-11-27. Review status: criteria provided, single submitter. Criteria: Invitae Variant Classification Sherloc (09022015). Collection method: clinical testing. Allele origin: germline.

PreventionGenetics, part of Exact Sciences
Classification: Benign for IGSF10-related condition. Last evaluated: 2019-07-31. Review status: no assertion criteria provided. Collection method: clinical testing. Allele origin: germline. Not counted in ClinVar's aggregate classification.
Comment: This variant is classified as benign based on ACMG/AMP sequence variant interpretation guidelines (Richards et al. 2015 PMID: 25741868, with internal and published modifications).

Dr. Peter K. Rogan Lab, Western University
No classification provided (evidence only). Condition: Uterine corpus endometrial carcinoma. Review status: no classification provided. Collection method: in vitro. Allele origin: not applicable. Functional consequence: retained intron. Not counted in ClinVar's aggregate classification.

NM_178822.5(IGSF10):c.5062+5G>A

Gene: IGSF10 (immunoglobulin superfamily member 10; minus strand). Cytogenetic location: 3q25.1.
Variant type: single nucleotide variant.
Coding change: c.5062+5G>A on transcript NM_178822.5 (MANE Select); 5 bases into the intron after coding-DNA position 5062, G replaced by A.
Molecular consequence: intron variant.
Genome position (GRCh38, 1-based): chr3:151,444,914, C>T on the plus strand (G>A on the coding strand, the complement: IGSF10 is on the minus strand). VCF-style: chr3-151444914-C-T. GRCh37 (hg19) VCF-style: chr3-151162702-C-T.
Other names: c.5062+5G>A (NM_001385061.1, NM_001385060.1, NM_001385062.1 and 2 more transcripts).
Identifiers: ClinVar variation 2073000 (VCV002073000.7), dbSNP rs184928959, ClinGen allele CA2669844.